The following is an entry in ClinVar:

ClinVar aggregate classification (germline): Uncertain significance (1 of 4 stars; one submission).

Conditions:
Rolandic epilepsy, impaired intellectual development, and speech dyspraxia, X-linked. Also called: Rolandic epilepsy, impaired intellectual development, and speech dyspraxia; Rolandic epilepsy, intellectual disability, and speech dyspraxia, X-linked. Identifiers: MedGen C1845070, MONDO:0010388, OMIM 300643.

Allele frequency attached by ClinVar (database versions not stated): gnomAD exomes 0.00001; TOPMed 0.00002.

Submission:

Labcorp Genetics (formerly Invitae), Labcorp
Classification: Uncertain significance for Rolandic epilepsy, impaired intellectual development, and speech dyspraxia, X-linked. Last evaluated: 2020-12-02. Review status: criteria provided, single submitter. Criteria: Invitae Variant Classification Sherloc (09022015). Collection method: clinical testing. Allele origin: germline.
Comment: Algorithms developed to predict the effect of missense changes on protein structure and function (SIFT, PolyPhen-2, Align-GVGD) all suggest that this variant is likely to be disruptive, but these predictions have not been confirmed by published functional studies. This sequence change replaces arginine with glutamine at codon 343 of the SRPX2 protein (p.Arg343Gln). The arginine residue is highly conserved and there is a small physicochemical difference between arginine and glutamine. This variant is not present in population databases (ExAC no frequency) and has not been reported in the literature in individuals with a SRPX2-related disease. In summary, this variant is a novel missense change with uncertain impact on protein function. It has been classified as a Variant of Uncertain Significance.

NM_014467.3(SRPX2):c.1028G>A (p.Arg343Gln)

Gene: SRPX2 (sushi repeat containing protein X-linked 2; plus strand). Cytogenetic location: Xq22.1.
Variant type: single nucleotide variant.
Coding change: c.1028G>A on transcript NM_014467.3 (MANE Select); coding-DNA position 1028, G replaced by A.
Protein change: p.Arg343Gln; replaces arginine 343 with glutamine.
Molecular consequence: missense variant.
Genome position (GRCh38, 1-based): chrX:100,667,340, G>A. VCF-style: chrX-100667340-G-A. GRCh37 (hg19) VCF-style: chrX-99922337-G-A.
Other names: short protein forms R343Q.
Identifiers: ClinVar variation 409284 (VCV000409284.11), dbSNP rs1060502322, ClinGen allele CA16616413.